The following is an entry in ClinVar:

NM_212557.4(AMTN):c.205-7C>T

Gene: AMTN (amelotin; plus strand). Cytogenetic location: 4q13.3.
Variant type: single nucleotide variant.
Coding change: c.205-7C>T on transcript NM_212557.4 (MANE Select); 7 bases into the intron before coding-DNA position 205, C replaced by T.
Molecular consequence: intron variant.
Genome position (GRCh38, 1-based): chr4:70,524,865, C>T. VCF-style: chr4-70524865-C-T. GRCh37 (hg19) VCF-style: chr4-71390582-C-T.
Other names: c.202-7C>T (NM_001286731.2).
Identifiers: ClinVar variation 3041073 (VCV003041073.2), dbSNP rs377035574, ClinGen allele CA2950988.

ClinVar aggregate classification (germline): Benign (0 of 4 stars; one submission).

Conditions:
AMTN-related disorder. Also called: AMTN-related condition.

Allele frequency attached by ClinVar (database versions not stated): ExAC 0.00071; 1000 Genomes Project 30x 0.00156; 1000 Genomes Project 0.00160; ESP Exome Variant Server 0.00185; TOPMed 0.00251.
gnomAD v4.1: 641 of 1,613,426 alleles (0.04%); highest among the groups gnomAD compares: African/African-American, 0.74%; 1 homozygote.

Submission:

PreventionGenetics, part of Exact Sciences
Classification: Benign for AMTN-related condition. Last evaluated: 2019-09-27. Review status: no assertion criteria provided. Collection method: clinical testing. Allele origin: germline.
Comment: This variant is classified as benign based on ACMG/AMP sequence variant interpretation guidelines (Richards et al. 2015 PMID: 25741868, with internal and published modifications).